The following is an entry in ClinVar:

NM_000535.7(PMS2):c.665G>C (p.Ser222Thr)

Gene: PMS2 (PMS1 homolog 2, mismatch repair system component; minus strand). Cytogenetic location: 7p22.1.
Variant type: single nucleotide variant.
Coding change: c.665G>C on transcript NM_000535.7 (MANE Select); coding-DNA position 665, G replaced by C.
Protein change: p.Ser222Thr; replaces serine 222 with threonine.
Molecular consequence: missense variant. On other transcripts: intron variant (9), 5 prime UTR variant (2), non-coding transcript variant (1).
Genome position (GRCh38, 1-based): chr7:5,999,148, C>G on the plus strand (G>C on the coding strand, the complement: PMS2 is on the minus strand). VCF-style: chr7-5999148-C-G. GRCh37 (hg19) VCF-style: chr7-6038779-C-G.
Other names: c.538-1725G>C (NM_001406874.1, NM_001406884.1); c.597+68G>C (NM_001406869.1); c.260G>C, p.Ser87Thr (NM_001018040.1, NM_001322003.2, NM_001322004.2 and 20 more transcripts); c.665G>C, p.Ser222Thr (NM_001322006.2, NM_001322014.2, NM_001406870.1 and 4 more transcripts); c.347G>C, p.Ser116Thr (NM_001322007.2, NM_001322008.2, NM_001406876.1 and 4 more transcripts); c.-269G>C (NM_001322011.2, NM_001322012.2); c.356G>C, p.Ser119Thr (NM_001322015.2, NM_001406875.1, NM_001406877.1 and 6 more transcripts); c.851G>C, p.Ser284Thr (NM_001406866.1); and 6 more; short protein forms S87T, S110T, S222T, S284T, S116T, S119T, S230T.
Identifiers: ClinVar variation 2753933 (VCV002753933.4), dbSNP rs560462942, ClinGen allele CA366743891.

ClinVar aggregate classification (germline): Conflicting classifications of pathogenicity. Review status: criteria provided, conflicting classifications (1 of 4 stars). 2 submissions from 2 submitters: Uncertain significance (1); Likely benign (1). Last evaluated 2025-08-15.

Conditions:
Hereditary nonpolyposis colorectal neoplasms. Identifiers: MedGen C0009405, MeSH D003123.
Hereditary cancer-predisposing syndrome. Also called: Neoplastic Syndromes, Hereditary; Hereditary Cancer Syndrome; Tumor predisposition; Hereditary neoplastic syndrome. Identifiers: Orphanet 140162, MedGen C0027672, MeSH D009386, MONDO:0015356.

Submissions (2):

Ambry Genetics
Classification: Likely benign for Hereditary cancer-predisposing syndrome. Last evaluated: 2025-08-15. Review status: criteria provided, single submitter. Criteria: Ambry Variant Classification Scheme 2023. Collection method: clinical testing. Allele origin: germline.

Labcorp Genetics (formerly Invitae), Labcorp
Classification: Uncertain significance for Hereditary nonpolyposis colorectal neoplasms. Last evaluated: 2023-08-19. Review status: criteria provided, single submitter. Criteria: Invitae Variant Classification Sherloc (09022015). Collection method: clinical testing. Allele origin: germline.
Comment: This sequence change replaces serine, which is neutral and polar, with threonine, which is neutral and polar, at codon 222 of the PMS2 protein (p.Ser222Thr). This variant is not present in population databases (gnomAD no frequency). In summary, the available evidence is currently insufficient to determine the role of this variant in disease. Therefore, it has been classified as a Variant of Uncertain Significance. Advanced modeling of protein sequence and biophysical properties (such as structural, functional, and spatial information, amino acid conservation, physicochemical variation, residue mobility, and thermodynamic stability) performed at Invitae indicates that this missense variant is not expected to disrupt PMS2 protein function. This variant has not been reported in the literature in individuals affected with PMS2-related conditions.